The following is an entry in ClinVar:

NM_014795.4(ZEB2):c.932A>T (p.Glu311Val)

Gene: ZEB2 (zinc finger E-box binding homeobox 2; minus strand). Cytogenetic location: 2q22.3.
Variant type: single nucleotide variant.
Coding change: c.932A>T on transcript NM_014795.4 (MANE Select); coding-DNA position 932, A replaced by T.
Protein change: p.Glu311Val; replaces glutamic acid 311 with valine.
Molecular consequence: missense variant.
Genome position (GRCh38, 1-based): chr2:144,400,255, T>A on the plus strand (A>T on the coding strand, the complement: ZEB2 is on the minus strand). VCF-style: chr2-144400255-T-A. GRCh37 (hg19) VCF-style: chr2-145157822-T-A.
Other names: c.860A>T, p.Glu287Val (NM_001171653.2); short protein forms E287V, E311V.
Identifiers: ClinVar variation 1046624 (VCV001046624.8), dbSNP rs1703292643, ClinGen allele CA348713397.

ClinVar aggregate classification (germline): Uncertain significance (1 of 4 stars; one submission).

Conditions:
Mowat-Wilson syndrome (MOWS). Also called: Classic Mowat-Wilson Syndrome. Identifiers: Orphanet 2152, MedGen C1856113, MONDO:0009341, OMIM 235730.

Submission:

Labcorp Genetics (formerly Invitae), Labcorp
Classification: Uncertain significance for Mowat-Wilson syndrome. Last evaluated: 2020-11-14. Review status: criteria provided, single submitter. Criteria: Invitae Variant Classification Sherloc (09022015). Collection method: clinical testing. Allele origin: germline.
Comment: This sequence change replaces glutamic acid with valine at codon 311 of the ZEB2 protein (p.Glu311Val). The glutamic acid residue is highly conserved and there is a moderate physicochemical difference between glutamic acid and valine. This variant is not present in population databases (ExAC no frequency). This variant has not been reported in the literature in individuals with ZEB2-related conditions. Algorithms developed to predict the effect of missense changes on protein structure and function are either unavailable or do not agree on the potential impact of this missense change (SIFT: "Deleterious"; PolyPhen-2: "Probably Damaging"; Align-GVGD: "Class C0"). In summary, the available evidence is currently insufficient to determine the role of this variant in disease. Therefore, it has been classified as a Variant of Uncertain Significance.